The following is an entry in ClinVar:

ClinVar aggregate classification (germline): Likely benign (1 of 4 stars; one submission).

Allele frequency attached by ClinVar (database versions not stated): ESP Exome Variant Server 0.00023; TOPMed 0.00070; gnomAD 0.00088; 1000 Genomes Project 30x 0.00453; 1000 Genomes Project 0.00539.

Submission:

CeGaT Center for Human Genetics Tuebingen
Classification: Likely benign. Last evaluated: 2022-11-01. Review status: criteria provided, single submitter. Criteria: CeGaT Center For Human Genetics Tuebingen Variant Classification Criteria Version 2. Collection method: clinical testing. Allele origin: germline. Affected: yes. Observed: 1 variant allele.
Comment: MECR: BS1

NM_016011.5(MECR):c.891+36G>A

Gene: MECR (mitochondrial trans-2-enoyl-CoA reductase; minus strand). Cytogenetic location: 1p35.3.
Variant type: single nucleotide variant.
Coding change: c.891+36G>A on transcript NM_016011.5 (MANE Select); 36 bases into the intron after coding-DNA position 891, G replaced by A.
Molecular consequence: intron variant.
Genome position (GRCh38, 1-based): chr1:29,196,162, C>T on the plus strand (G>A on the coding strand, the complement: MECR is on the minus strand). VCF-style: chr1-29196162-C-T. GRCh37 (hg19) VCF-style: chr1-29522674-C-T.
Other names: c.741+36G>A (NM_001349717.2); c.663+36G>A (NM_001024732.4, NM_001349714.2, NM_001349712.2 and 2 more transcripts); c.975+36G>A (NM_001349716.2); c.996+36G>A (NM_001349715.2).
Identifiers: ClinVar variation 2638586 (VCV002638586.24), dbSNP rs118150259, ClinGen allele CA725607.